The following is an entry in ClinVar:

ClinVar aggregate classification (germline): Uncertain significance. Review status: criteria provided, multiple submitters, no conflicts (2 of 4 stars). 3 submissions from 3 submitters: Uncertain significance (3). Last evaluated 2026-07-07.

Conditions:
Hereditary cancer-predisposing syndrome. Also called: Hereditary Cancer Syndrome; Hereditary neoplastic syndrome; Neoplastic Syndromes, Hereditary; Tumor predisposition. Identifiers: Orphanet 140162, MedGen C0027672, MeSH D009386, MONDO:0015356.
Gastrointestinal stromal tumor. Also called: Gastrointestinal stromal tumor, somatic; Gastrointestinal stroma tumor. Identifiers: Orphanet 44890, MedGen C0238198, MeSH D046152, MONDO:0011719, OMIM 606764, HP:0100723.
Pheochromocytoma/paraganglioma syndrome 3. Also called: GLOMUS TUMORS, FAMILIAL, 3; Paragangliomas 3; SDHC-Related Hereditary Paraganglioma-Pheochromocytoma Syndrome (Paragangliomas 3); SDHC-Related Hereditary Paraganglioma-Pheochromocytoma Syndrome. Identifiers: Orphanet 29072, MedGen C1854336, MONDO:0011544, OMIM 605373.

Allele frequency attached by ClinVar (database versions not stated): gnomAD exomes below 0.00001.
gnomAD v4.1: 1 of 1,612,658 alleles (0.000062%); highest among the groups gnomAD compares: Non-Finnish European, 0.000085%; no homozygotes.

Submissions (3):

Ambry Genetics
Classification: Uncertain significance for Hereditary cancer-predisposing syndrome. Last evaluated: 2026-07-07. Review status: criteria provided, single submitter. Criteria: Ambry Variant Classification Scheme 2023. Collection method: clinical testing. Allele origin: germline.
Comment: The p.S151F variant (also known as c.452C>T), located in coding exon 6 of the SDHC gene, results from a C to T substitution at nucleotide position 452. The serine at codon 151 is replaced by phenylalanine, an amino acid with highly dissimilar properties. This amino acid position is conserved. In addition, this alteration is predicted to be deleterious by in silico analysis. Based on the available evidence, the clinical significance of this variant remains unclear.

GeneDx
Classification: Uncertain significance. Last evaluated: 2024-06-30. Review status: criteria provided, single submitter. Criteria: GeneDx Variant Classification Process June 2021. Collection method: clinical testing. Allele origin: germline. Affected: yes.
Comment: Not observed at significant frequency in large population cohorts (gnomAD); In silico analysis supports that this missense variant has a deleterious effect on protein structure/function; Has not been previously published as pathogenic or benign to our knowledge

Labcorp Genetics (formerly Invitae), Labcorp
Classification: Uncertain significance for Pheochromocytoma/paraganglioma syndrome 3; Gastrointestinal stromal tumor. Last evaluated: 2022-12-04. Review status: criteria provided, single submitter. Criteria: Invitae Variant Classification Sherloc (09022015). Collection method: clinical testing. Allele origin: germline.
Comment: This sequence change replaces serine, which is neutral and polar, with phenylalanine, which is neutral and non-polar, at codon 151 of the SDHC protein (p.Ser151Phe). This variant is not present in population databases (gnomAD no frequency). This variant has not been reported in the literature in individuals affected with SDHC-related conditions. Algorithms developed to predict the effect of missense changes on protein structure and function are either unavailable or do not agree on the potential impact of this missense change (SIFT: "Deleterious"; PolyPhen-2: "Probably Damaging"; Align-GVGD: "Class C0"). In summary, the available evidence is currently insufficient to determine the role of this variant in disease. Therefore, it has been classified as a Variant of Uncertain Significance.

NM_003001.5(SDHC):c.452C>T (p.Ser151Phe)

Gene: SDHC (succinate dehydrogenase complex subunit C; plus strand). Cytogenetic location: 1q23.3.
Variant type: single nucleotide variant.
Coding change: c.452C>T on transcript NM_003001.5 (MANE Select); coding-DNA position 452, C replaced by T.
Protein change: p.Ser151Phe; replaces serine 151 with phenylalanine.
Molecular consequence: missense variant. On other transcripts: synonymous variant (3), non-coding transcript variant (1).
Genome position (GRCh38, 1-based): chr1:161,362,375, C>T. VCF-style: chr1-161362375-C-T. GRCh37 (hg19) VCF-style: chr1-161332165-C-T.
Other names: c.288C>T, p.Val96= (NM_001035511.3); c.350C>T, p.Ser117Phe (NM_001035512.3); c.293C>T, p.Ser98Phe (NM_001035513.3); c.186C>T, p.Val62= (NM_001278172.3); c.572C>T, p.Ser191Phe (NM_001407115.1); c.395C>T, p.Ser132Phe (NM_001407116.1); c.389C>T, p.Ser130Phe (NM_001407117.1); c.344C>T, p.Ser115Phe (NM_001407118.1); and 2 more; short protein forms S114F, S115F, S151F, S191F, S117F, S98F, S130F, S132F.
Identifiers: ClinVar variation 2942066 (VCV002942066.5), dbSNP rs1571899020, ClinGen allele CA343457762.